The following is an entry in ClinVar:

ClinVar aggregate classification (germline): Uncertain significance. Review status: criteria provided, multiple submitters, no conflicts (2 of 4 stars). 2 submissions from 2 submitters: Uncertain significance (2). Last evaluated 2024-03-06.

Conditions:
Ataxia-telangiectasia syndrome (AT). Also called: Cerebello-oculocutaneous telangiectasia; Immunodeficiency with ataxia telangiectasia; Ataxia-telangiectasia, complementation group E; Ataxia-telangiectasia, complementation group D; AT, COMPLEMENTATION GROUP C; ATAXIA-TELANGIECTASIA, COMPLEMENTATION GROUP A. Identifiers: Orphanet 100, MedGen C0004135, MONDO:0008840, OMIM 208900.
Hereditary cancer-predisposing syndrome. Also called: Hereditary Cancer Syndrome; Neoplastic Syndromes, Hereditary; Hereditary neoplastic syndrome; Tumor predisposition. Identifiers: Orphanet 140162, MedGen C0027672, MeSH D009386, MONDO:0015356.

Allele frequency attached by ClinVar (database versions not stated): gnomAD exomes below 0.00001.
gnomAD v4.1: 1 of 1,613,700 alleles (0.000062%); highest among the groups gnomAD compares: Non-Finnish European, 0.000085%; no homozygotes.

Submissions (2):

Ambry Genetics
Classification: Uncertain significance for Hereditary cancer-predisposing syndrome. Last evaluated: 2024-03-06. Review status: criteria provided, single submitter. Criteria: Ambry Variant Classification Scheme 2023. Collection method: clinical testing. Allele origin: germline.
Comment: The p.D639G variant (also known as c.1916A>G), located in coding exon 12 of the ATM gene, results from an A to G substitution at nucleotide position 1916. The aspartic acid at codon 639 is replaced by glycine, an amino acid with similar properties. This amino acid position is poorly conserved in available vertebrate species, and glycine is the reference amino acid in other vertebrate species. In addition, this alteration is predicted to be tolerated by in silico analysis. Based on the available evidence, the clinical significance of this alteration remains unclear.

Labcorp Genetics (formerly Invitae), Labcorp
Classification: Uncertain significance for Ataxia-telangiectasia syndrome. Last evaluated: 2023-07-07. Review status: criteria provided, single submitter. Criteria: Invitae Variant Classification Sherloc (09022015). Collection method: clinical testing. Allele origin: germline.
Comment: This sequence change replaces aspartic acid, which is acidic and polar, with glycine, which is neutral and non-polar, at codon 639 of the ATM protein (p.Asp639Gly). This variant is not present in population databases (gnomAD no frequency). This variant has not been reported in the literature in individuals affected with ATM-related conditions. ClinVar contains an entry for this variant (Variation ID: 820335). Algorithms developed to predict the effect of missense changes on protein structure and function output the following: SIFT: "Not Available"; PolyPhen-2: "Benign"; Align-GVGD: "Not Available". The glycine amino acid residue is found in multiple mammalian species, which suggests that this missense change does not adversely affect protein function. Algorithms developed to predict the effect of sequence changes on RNA splicing suggest that this variant may disrupt the consensus splice site. In summary, the available evidence is currently insufficient to determine the role of this variant in disease. Therefore, it has been classified as a Variant of Uncertain Significance.

NM_000051.4(ATM):c.1916A>G (p.Asp639Gly)

Gene: ATM (ATM serine/threonine kinase; plus strand). Cytogenetic location: 11q22.3.
Variant type: single nucleotide variant.
Coding change: c.1916A>G on transcript NM_000051.4 (MANE Select); coding-DNA position 1916, A replaced by G.
Protein change: p.Asp639Gly; replaces aspartic acid 639 with glycine.
Molecular consequence: missense variant.
Genome position (GRCh38, 1-based): chr11:108,253,831, A>G. VCF-style: chr11-108253831-A-G. GRCh37 (hg19) VCF-style: chr11-108124558-A-G.
Other names: c.1916A>G, p.Asp639Gly (NM_001351834.2); short protein forms D639G.
Identifiers: ClinVar variation 820335 (VCV000820335.7), dbSNP rs1591533846, ClinGen allele CA382536412.